The following is an entry in ClinVar:

NM_000243.3(MEFV):c.434G>C (p.Ser145Thr)

Gene: MEFV (MEFV innate immunity regulator, pyrin; minus strand). Cytogenetic location: 16p13.3.
Variant type: single nucleotide variant.
Coding change: c.434G>C on transcript NM_000243.3 (MANE Select); coding-DNA position 434, G replaced by C.
Protein change: p.Ser145Thr; replaces serine 145 with threonine.
Molecular consequence: missense variant. On other transcripts: intron variant (1).
Genome position (GRCh38, 1-based): chr16:3,254,634, C>G on the plus strand (G>C on the coding strand, the complement: MEFV is on the minus strand). VCF-style: chr16-3254634-C-G. GRCh37 (hg19) VCF-style: chr16-3304634-C-G.
Other names: c.277+1677G>C (NM_001198536.2); short protein forms S145T.
Identifiers: ClinVar variation 1410643 (VCV001410643.9), dbSNP rs1342434040, ClinGen allele CA394481545.
Genomic context (GRCh38, chr16:3,254,634, plus strand): 5'-GCCTTCTCTCTGCGTTTGCTCAGGGGCTTCCTCGACAGCCCCCTCCCGGCCTCGGGCTGG[C>G]TGCACCGCAGGCTGGCAGCTCCGCCCCCGTACGGCCGAGGGCCGTTCCCCTCGTTCCCCT-3'
Protein context (NP_000234.1, residues 135-155): YGGGAASLRC[Ser145Thr]QPEAGRGLSR

ClinVar aggregate classification (germline): Uncertain significance. Review status: criteria provided, multiple submitters, no conflicts (2 of 4 stars). 2 submissions from 2 submitters: Uncertain significance (2). Last evaluated 2024-03-12.

Conditions:
Familial Mediterranean fever (FMF). Also called: Periodic peritonitis; Benign paroxysmal peritonitis; POLYSEROSITIS, FAMILIAL PAROXYSMAL; POLYSEROSITIS, RECURRENT. Identifiers: Orphanet 342, MedGen C0031069, MONDO:0018088, OMIM 249100. Disease mechanism: gain of function.
Familial Mediterranean fever, autosomal dominant. Also called: Dominant Familial Mediterranean Fever; FMF, AUTOSOMAL DOMINANT. Identifiers: Orphanet 342, MedGen C1851347, MONDO:0007601, OMIM 134610.
Acute febrile neutrophilic dermatosis (AFND). Also called: Sweet Syndrome; Gomm Button disease. Identifiers: Orphanet 3243, MedGen C0085077, MONDO:0011959, OMIM 608068.

Allele frequency attached by ClinVar (database versions not stated): gnomAD exomes below 0.00001.

Submissions (2):

Fulgent Genetics
Classification: Uncertain significance for Familial Mediterranean fever, autosomal dominant; Familial Mediterranean fever; Acute febrile neutrophilic dermatosis. Last evaluated: 2024-03-12. Review status: criteria provided, single submitter. Criteria: ACMG Guidelines, 2015. Collection method: clinical testing. Allele origin: germline.

Labcorp Genetics (formerly Invitae), Labcorp
Classification: Uncertain significance for Familial Mediterranean fever. Last evaluated: 2021-07-04. Review status: criteria provided, single submitter. Criteria: Invitae Variant Classification Sherloc (09022015). Collection method: clinical testing. Allele origin: germline.
Comment: This sequence change replaces serine with threonine at codon 145 of the MEFV protein (p.Ser145Thr). The serine residue is weakly conserved and there is a small physicochemical difference between serine and threonine. This variant is not present in population databases (ExAC no frequency). This variant has not been reported in the literature in individuals affected with MEFV-related conditions. Algorithms developed to predict the effect of missense changes on protein structure and function (SIFT, PolyPhen-2, Align-GVGD) all suggest that this variant is likely to be tolerated. In summary, the available evidence is currently insufficient to determine the role of this variant in disease. Therefore, it has been classified as a Variant of Uncertain Significance.